The following is an entry in ClinVar:

ClinVar aggregate classification (germline): Benign/Likely benign. Review status: criteria provided, multiple submitters, no conflicts (2 of 4 stars). 28 submissions from 26 submitters: Benign (13); Likely benign (9). 6 of the submissions do not count toward it. Last evaluated 2026-08-01.

Conditions:
Cardiovascular phenotype. Identifiers: MedGen CN230736.
Cardiomyopathy, familial restrictive, 1. Identifiers: Orphanet 75249, MedGen C1861861, MONDO:0007270, OMIM 115210.
Dilated cardiomyopathy 2A (CMD2A). Also called: CARDIOMYOPATHY, CONGESTIVE, AUTOSOMAL RECESSIVE; CARDIOMYOPATHY, DILATED, AUTOSOMAL RECESSIVE. Identifiers: Orphanet 154, MedGen C2678474, MONDO:0012746, OMIM 611880.
Hypertrophic cardiomyopathy 7. Also called: TNNI3-Related Familial Hypertrophic Cardiomyopathy; Familial hypertrophic cardiomyopathy 7; CARDIOMYOPATHY, FAMILIAL HYPERTROPHIC, 7, MODIFIER OF. Identifiers: MedGen C1860752, MONDO:0013369, OMIM 613690.
Dilated cardiomyopathy 1FF (CMD1FF). Identifiers: Orphanet 154, MedGen C2750091, MONDO:0013211, OMIM 613286.
Cardiomyopathy (CMYO). Also called: Cardiomyopathies. Identifiers: Orphanet 167848, MedGen C0878544, MONDO:0004994, HP:0001638. Inheritance: Various modes of inheritance.
Amyloidosis, hereditary systemic 1 (AMYLD1). Also called: Hereditary oculoleptomeningeal amyloid angiopathy; Familial Transthyretin Amyloidosis; Transthyretin Amyloidosis; Familial amyloid polyneuropathy; Hereditary Transthyretin Amyloidosis; AMYLOID CARDIOMYOPATHY. Identifiers: Orphanet 85447, Orphanet 85451, MedGen C2751492, MONDO:0971004, OMIM 105210.
Hypertrophic cardiomyopathy. Also called: HYPERTROPHIC MYOCARDIOPATHY. Identifiers: Orphanet 217569, MedGen C0007194, MeSH D002312, MONDO:0005045, HP:0001639.

Allele frequency attached by ClinVar (database versions not stated): ExAC 0.00169; gnomAD 0.00699 and 0.00645; gnomAD exomes 0.00145; 1000 Genomes Project 0.00459; 1000 Genomes Project 30x 0.00531; TOPMed 0.00694.
gnomAD v4.1: 1,871 of 1,612,562 alleles (0.12%); highest among the groups gnomAD compares: African/African-American, 2.2%; 29 homozygotes.

Submissions (28):

CeGaT Center for Human Genetics Tuebingen
Classification: Benign. Last evaluated: 2026-08-01. Review status: criteria provided, single submitter. Criteria: CeGaT Center For Human Genetics Tuebingen Variant Classification Criteria Version 2. Collection method: clinical testing. Allele origin: germline. Affected: yes. Observed: 4 variant alleles.
Comment: TNNI3: BS1, BS2

Labcorp Genetics (formerly Invitae), Labcorp
Classification: Benign for Hypertrophic cardiomyopathy. Last evaluated: 2026-02-03. Review status: criteria provided, single submitter. Criteria: Invitae Variant Classification Sherloc (09022015). Collection method: clinical testing. Allele origin: germline.

ARUP Laboratories, Molecular Genetics and Genomics, ARUP Laboratories
Classification: Benign. Last evaluated: 2025-07-08. Review status: criteria provided, single submitter. Criteria: ARUP Molecular Germline Variant Investigation Process 2024. Collection method: clinical testing. Allele origin: germline.

Molecular Diagnostic Laboratory for Inherited Cardiovascular Disease, Montreal Heart Institute
Classification: Likely benign. Last evaluated: 2025-04-08. Review status: criteria provided, single submitter. Criteria: ACMG Guidelines, 2015. Collection method: clinical testing. Allele origin: germline. Affected: no.

Blueprint Genetics
Classification: Likely benign. Last evaluated: 2024-11-26. Review status: criteria provided, single submitter. Criteria: ACMG Guidelines, 2015. Collection method: clinical testing. Allele origin: germline.

Fulgent Genetics
Classification: Benign for Cardiomyopathy, familial restrictive, 1; Dilated cardiomyopathy 2A; Dilated cardiomyopathy 1FF; Hypertrophic cardiomyopathy 7. Last evaluated: 2022-04-18. Review status: criteria provided, single submitter. Criteria: ACMG Guidelines, 2015. Collection method: clinical testing. Allele origin: unknown.

Center for Advanced Laboratory Medicine, UC San Diego Health, University of California San Diego
Classification: Benign for Cardiomyopathy; Hereditary transthyretin amyloidosis. Last evaluated: 2019-06-03. Review status: criteria provided, single submitter. Criteria: ACMG Guidelines, 2015. Collection method: clinical testing. Allele origin: germline. Affected: yes. Observed: 2 variant alleles.

CHEO Genetics Diagnostic Laboratory, Children's Hospital of Eastern Ontario
Classification: Likely benign for Cardiomyopathy. Last evaluated: 2019-03-07. Review status: criteria provided, single submitter. Criteria: ACMG Guidelines, 2015. Collection method: clinical testing. Allele origin: germline.

GeneDx
Classification: Benign. Last evaluated: 2018-12-13. Review status: criteria provided, single submitter. Criteria: GeneDx Variant Classification Process June 2021. Collection method: clinical testing. Allele origin: germline. Affected: yes.
Comment: This variant is associated with the following publications: (PMID: 23299917, 22995991, 25324519, 20981092, 18175163, 23967088, 11815426, 27150586, 21310275, 27532831, 26332594, 31006259)

Illumina Laboratory Services, Illumina
Classification: Likely benign for Dilated cardiomyopathy 2A. Last evaluated: 2018-04-05. Review status: criteria provided, single submitter. Criteria: ICSL Variant Classification Criteria 13 December 2019. Collection method: clinical testing. Allele origin: germline.
Comment: This variant was observed as part of a predisposition screen in an ostensibly healthy population. A literature search was performed for the gene, cDNA change, and amino acid change (where applicable). No publications were found based on this search. Allele frequency data from public databases allowed determination this variant is unlikely to cause disease. Therefore, this variant is classified as likely benign.

Illumina Laboratory Services, Illumina
Classification: Likely benign for Cardiomyopathy, familial restrictive, 1. Last evaluated: 2018-04-05. Review status: criteria provided, single submitter. Criteria: ICSL Variant Classification Criteria 13 December 2019. Collection method: clinical testing. Allele origin: germline.
Comment: the same text as in the submission from Illumina Laboratory Services, Illumina above.

Illumina Laboratory Services, Illumina
Classification: Likely benign for Hypertrophic cardiomyopathy 7. Last evaluated: 2018-04-05. Review status: criteria provided, single submitter. Criteria: ICSL Variant Classification Criteria 13 December 2019. Collection method: clinical testing. Allele origin: germline.
Comment: This variant was observed as part of a predisposition screen in an ostensibly healthy population. A literature search was performed for the gene, cDNA change, and amino acid change (where applicable). Publications were found based on this search. The evidence from the literature, in combination with allele frequency data from public databases where available, was sufficient to determine this variant is unlikely to cause disease. Therefore, this variant is classified as likely benign.

Color Diagnostics, LLC DBA Color Health
Classification: Benign for Cardiomyopathy. Last evaluated: 2018-03-19. Review status: criteria provided, single submitter. Criteria: ACMG Guidelines, 2015. Collection method: clinical testing. Allele origin: germline.

Women's Health and Genetics/Laboratory Corporation of America, LabCorp
Classification: Benign. Last evaluated: 2016-08-09. Review status: criteria provided, single submitter. Criteria: LabCorp Variant Classification Summary - May 2015. Collection method: clinical testing. Allele origin: germline.
Comment: Variant Summary: The c.244C>T variant involves the alteration of a conserved nucleotide and 4/5 in silico tools predict a deleterious outcome. The variant was observed in the large and broad cohorts of the ExAC project at an allele frequency of 0.17%, predominantly observed in the African subpopulation at a frequency of 2.3% including 3 homozygous occurrences. This frequency exceeds the maximal expected allele frequency for a pathogenic variant in TNNI3 (0.0125%), suggesting this is a benign polymorphism found primarily in population(s) of African origin. The variant has been reported in the literature in HCM patients and controls, mostly of African descent. However, mouse model studies have suggested the variant to be a disease-modifying factor for dysfunction and adverse remodeling with aging and chronic pressure overload (Ramirez-Correa_2015), although the relationship of this finding to a monogenic causation is unclear, therefore the evidence is not weighed in its classification. Multiple reputable clinical labs have classified the variant as benign. Taken together, this variant is classified as Benign.

Center for Pediatric Genomic Medicine, Children's Mercy Hospital and Clinics
Classification: Benign. Last evaluated: 2016-01-11. Review status: criteria provided, single submitter. Criteria: ACMG Guidelines, 2015. Collection method: clinical testing. Allele origin: germline.

Genomic Diagnostic Laboratory, Division of Genomic Diagnostics, Children's Hospital of Philadelphia
Classification: Likely benign for Cardiomyopathy. Last evaluated: 2015-10-30. Review status: criteria provided, single submitter. Criteria: DGD Variant Analysis Guidelines. Collection method: clinical testing. Allele origin: unknown.

Ambry Genetics
Classification: Benign for Cardiovascular phenotype. Last evaluated: 2015-06-25. Review status: criteria provided, single submitter. Criteria: Ambry Variant Classification Scheme 2023. Collection method: clinical testing. Allele origin: germline.

Eurofins Ntd Llc (ga)
Classification: Benign. Last evaluated: 2014-05-26. Review status: criteria provided, single submitter. Criteria: EGL Classification Definitions 2015. Collection method: clinical testing. Allele origin: germline. Observed: 1 variant allele, 1 heterozygote.

Mayo Clinic Laboratories, Mayo Clinic
Classification: Benign. Last evaluated: 2014-05-12. Review status: criteria provided, single submitter. Criteria: ACMG Guidelines, 2015. Collection method: clinical testing. Allele origin: germline. Observed: 9 variant alleles.

Laboratory for Molecular Medicine, Mass General Brigham Personalized Medicine
Classification: Benign. Last evaluated: 2012-02-09. Review status: criteria provided, single submitter. Criteria: LMM Criteria. Collection method: clinical testing. Allele origin: germline. Observed: 40 variant alleles.
Comment: Pro82Ser in exon 5 of TNNI3: This variant is classified as benign based on its h igh frequency in the general population (dbSNP rs77615401; NHLBI Exome Sequencin g Project). A=57/G=2853

Breakthrough Genomics
Classification: Likely benign. Review status: criteria provided, single submitter. Criteria: ACMG Guidelines, 2015. Collection method: not provided. Allele origin: germline. Inheritance: Autosomal recessive inheritance. Affected: yes.

PreventionGenetics, part of Exact Sciences
Classification: Likely benign. Review status: criteria provided, single submitter. Criteria: ACMG Guidelines, 2015. Collection method: clinical testing. Allele origin: germline.

OMIM
Classification: risk factor for CARDIOMYOPATHY, FAMILIAL HYPERTROPHIC, 7, MODIFIER OF. Last evaluated: 2008-07-01. Review status: no assertion criteria provided. Collection method: literature only. Allele origin: germline. Not counted in ClinVar's aggregate classification.

Clinical Genetics DNA and cytogenetics Diagnostics Lab, Erasmus MC, Erasmus Medical Center
Classification: Benign. Review status: no assertion criteria provided. Collection method: clinical testing. Allele origin: germline. Affected: yes. Study: VKGL Data-share Consensus. Not counted in ClinVar's aggregate classification.

Clinical Genetics, Academic Medical Center
Classification: Benign. Review status: no assertion criteria provided. Collection method: clinical testing. Allele origin: germline. Affected: yes. Study: VKGL Data-share Consensus. Not counted in ClinVar's aggregate classification.

Diagnostic Laboratory, Department of Genetics, University Medical Center Groningen
Classification: Likely benign. Review status: no assertion criteria provided. Collection method: clinical testing. Allele origin: germline. Affected: yes. Study: VKGL Data-share Consensus. Not counted in ClinVar's aggregate classification.

Genome Diagnostics Laboratory, University Medical Center Utrecht
Classification: Benign. Review status: no assertion criteria provided. Collection method: clinical testing. Allele origin: germline. Affected: yes. Study: VKGL Data-share Consensus. Not counted in ClinVar's aggregate classification.

Laboratory of Diagnostic Genome Analysis, Leiden University Medical Center (LUMC)
Classification: Likely benign. Review status: no assertion criteria provided. Collection method: clinical testing. Allele origin: germline. Affected: yes. Study: VKGL Data-share Consensus. Not counted in ClinVar's aggregate classification.

Literature cited by the submitters: PubMed 25324519 (cited by Illumina Laboratory Services, Illumina and Women's Health and Genetics/Laboratory Corporation of America, LabCorp); PubMed 24510615 (cited by Illumina Laboratory Services, Illumina); PubMed 11815426 (cited by 4 submitters); PubMed 18175163 (cited by 4 submitters); PubMed 15607392 (cited by 3 submitters); PubMed 23967088 (cited by Illumina Laboratory Services, Illumina); PubMed 12860912 (cited by Women's Health and Genetics/Laboratory Corporation of America, LabCorp); PubMed 21310275 (cited by Women's Health and Genetics/Laboratory Corporation of America, LabCorp); PubMed 25940119 (cited by Women's Health and Genetics/Laboratory Corporation of America, LabCorp); PubMed 15524171 (cited by Laboratory for Molecular Medicine, Mass General Brigham Personalized Medicine).

NM_000363.5(TNNI3):c.244C>T (p.Pro82Ser)

Gene: TNNI3 (troponin I3, cardiac type; minus strand). Cytogenetic location: 19q13.42.
Variant type: single nucleotide variant.
Coding change: c.244C>T on transcript NM_000363.5 (MANE Select); coding-DNA position 244, C replaced by T.
Protein change: p.Pro82Ser; replaces proline 82 with serine.
Molecular consequence: missense variant.
Genome position (GRCh38, 1-based): chr19:55,156,239, G>A on the plus strand (C>T on the coding strand, the complement: TNNI3 is on the minus strand). VCF-style: chr19-55156239-G-A. GRCh37 (hg19) VCF-style: chr19-55667607-G-A.
Other names: p.P82S:CCG>TCG; short protein forms P82S.
Identifiers: ClinVar variation 12421 (VCV000012421.62), dbSNP rs77615401, ClinGen allele CA021411.